The following is an entry in ClinVar:

NM_001114753.3(ENG):c.263dup (p.Asn88fs)

Gene: ENG (endoglin; minus strand). Cytogenetic location: 9q34.11.
Variant type: Duplication.
Coding change: c.263dup on transcript NM_001114753.3 (MANE Select); coding-DNA position 263, one base duplicated (A; older notation c.263dupA).
Protein change: p.Asn88fs; shifts the reading frame from asparagine 88.
Molecular consequence: frameshift variant. On other transcripts: 5 prime UTR variant (1).
Genome position (GRCh38, 1-based): chr9:127,829,784, T duplicated on the plus strand (A on the coding strand, the reverse complement: ENG is on the minus strand); the first of 4 consecutive T bases (chr9:127,829,784-127,829,787); duplicating any one gives the same sequence. VCF-style (leftmost placement, unchanged base first): chr9-127829783-A-AT. GRCh37 (hg19) VCF-style: chr9-130592062-A-AT.
Other names: p.Asn88Lysfs*61; c.263dup, p.Asn88fs (NM_000118.4, NM_001406715.1); c.-284dup (NM_001278138.2); c.263dup (NM_001114753.2); short protein forms N88fs.
Identifiers: ClinVar variation 4541478 (VCV004541478.2).
Genomic context (GRCh38, chr9:127,829,783, plus strand): 5'-ATGCAGGAAGACACTGCTGTTTACACTGAGGACCAGAAGCACCTCTCGGGGCCAGGTGCC[A>AT]TTTTGCTTGGATGCCTGGAGAGTCAGCTCCAGCTGTGACGGGCCCTGGGGGACACAGAGG-3'

ClinVar aggregate classification (germline): Pathogenic/Likely pathogenic. Review status: criteria provided, multiple submitters, no conflicts (2 of 4 stars). 2 submissions from 2 submitters: Pathogenic (1); Likely pathogenic (1). Last evaluated 2025-10-28.

Conditions:
Hereditary hemorrhagic telangiectasia (HHT). Also called: ORW DISEASE; Osler Weber Rendu syndrome; OSLER-RENDU-WEBER DISEASE; Osler hemorrhagic telangiectasia syndrome. Identifiers: Orphanet 774, MedGen C0039445, MONDO:0019180. Disease mechanism: loss of function.

Submissions (2):

Labcorp Genetics (formerly Invitae), Labcorp
Classification: Pathogenic for Hereditary hemorrhagic telangiectasia. Last evaluated: 2025-10-28. Review status: criteria provided, single submitter. Criteria: Invitae Variant Classification Sherloc (09022015). Collection method: clinical testing. Allele origin: germline.
Comment: This sequence change creates a premature translational stop signal (p.Asn88Lysfs*61) in the ENG gene. It is expected to result in an absent or disrupted protein product. Loss-of-function variants in ENG are known to be pathogenic (PMID: 15879500). This variant is not present in population databases (gnomAD no frequency). This variant has not been reported in the literature in individuals affected with ENG-related conditions. For these reasons, this variant has been classified as Pathogenic.

Mayo Clinic Laboratories, Mayo Clinic
Classification: Likely pathogenic. Last evaluated: 2025-08-26. Review status: criteria provided, single submitter. Criteria: ACMG Guidelines, 2015. Collection method: clinical testing. Allele origin: germline. Observed: 1 variant allele.
Comment: PM2_supporting, PVS1

Literature cited by the submitters: PubMed 15879500 (cited by Labcorp Genetics (formerly Invitae), Labcorp).